The following is an entry in ClinVar:

NM_153704.6(TMEM67):c.2447T>G (p.Leu816Trp)

Gene: TMEM67 (transmembrane protein 67; plus strand). Cytogenetic location: 8q22.1.
Variant type: single nucleotide variant.
Coding change: c.2447T>G on transcript NM_153704.6 (MANE Select); coding-DNA position 2447, T replaced by G.
Protein change: p.Leu816Trp; replaces leucine 816 with tryptophan.
Molecular consequence: missense variant. On other transcripts: non-coding transcript variant (1).
Genome position (GRCh38, 1-based): chr8:93,808,847, T>G. VCF-style: chr8-93808847-T-G. GRCh37 (hg19) VCF-style: chr8-94821075-T-G.
Other names: c.2204T>G, p.Leu735Trp (NM_001142301.1); c.2447T>G (NM_153704.5); short protein forms L735W, L816W.
Identifiers: ClinVar variation 1517386 (VCV001517386.6), dbSNP rs753654003, ClinGen allele CA4808315.
Genomic context (GRCh38, chr8:93,808,847, plus strand): 5'-GGCAGGAAATTTTTTATAATTTTGATCTTAACTTAAATTCTTTAACTTTTCAGGAAAATT[T>G]GTGTAGCCAGAGAGGTTTGGTACCCAACACAGATGGTCAGACTTTTGAGATTGCAATTTC-3'
Protein context (NP_714915.3, residues 806-826): NMNLKREAEN[Leu816Trp]CSQRGLVPNT

ClinVar aggregate classification (germline): Uncertain significance. Review status: criteria provided, multiple submitters, no conflicts (2 of 4 stars). 3 submissions from 3 submitters: Uncertain significance (3). Last evaluated 2025-07-30.

Conditions:
Inborn genetic diseases. Identifiers: MedGen C0950123, MeSH D030342.
TMEM67-related disorder. Also called: TMEM67-related condition; TMEM67-related disorders. Identifiers: MedGen CN239423.
Joubert syndrome. Also called: Familial aplasia of the vermis; JOUBERT-BOLTSHAUSER SYNDROME. Identifiers: Orphanet 475, MedGen C5979921, MONDO:0018772.
Meckel-Gruber syndrome. Also called: Dysencephalia splachnocystica; DYSENCEPHALIA SPLANCHNOCYSTICA; GRUBER SYNDROME. Identifiers: Orphanet 564, MedGen C0265215, MONDO:0018921.

Allele frequency attached by ClinVar (database versions not stated): ExAC 0.00001; gnomAD exomes 0.00001.
gnomAD v4.1: 34 of 1,605,496 alleles (0.0021%); highest among the groups gnomAD compares: Non-Finnish European, 0.0029%; no homozygotes.

Submissions (3):

PreventionGenetics, part of Exact Sciences
Classification: Uncertain significance for TMEM67-related condition. Last evaluated: 2025-07-30. Review status: criteria provided, single submitter. Criteria: ACMG Guidelines, 2015. Collection method: clinical testing. Allele origin: germline.
Comment: The TMEM67 c.2447T>G variant is predicted to result in the amino acid substitution p.Leu816Trp. To our knowledge, this variant has not been reported in the literature. This variant is reported in 0.0026% of alleles in individuals of European (Non-Finnish) descent in gnomAD. At this time, the clinical significance of this variant is uncertain due to the absence of conclusive functional and genetic evidence.

Ambry Genetics
Classification: Uncertain significance for Inborn genetic diseases. Last evaluated: 2023-04-03. Review status: criteria provided, single submitter. Criteria: Ambry Variant Classification Scheme 2023. Collection method: clinical testing. Allele origin: germline.

Labcorp Genetics (formerly Invitae), Labcorp
Classification: Uncertain significance for Joubert syndrome; Meckel-Gruber syndrome. Last evaluated: 2022-07-25. Review status: criteria provided, single submitter. Criteria: Invitae Variant Classification Sherloc (09022015). Collection method: clinical testing. Allele origin: germline.
Comment: This sequence change replaces leucine, which is neutral and non-polar, with tryptophan, which is neutral and slightly polar, at codon 816 of the TMEM67 protein (p.Leu816Trp). This variant is present in population databases (rs753654003, gnomAD 0.003%). This variant has not been reported in the literature in individuals affected with TMEM67-related conditions. ClinVar contains an entry for this variant (Variation ID: 1517386). Advanced modeling of protein sequence and biophysical properties (such as structural, functional, and spatial information, amino acid conservation, physicochemical variation, residue mobility, and thermodynamic stability) performed at Invitae indicates that this missense variant is expected to disrupt TMEM67 protein function. In summary, the available evidence is currently insufficient to determine the role of this variant in disease. Therefore, it has been classified as a Variant of Uncertain Significance.